The following is an entry in ClinVar:

NM_174934.4(SCN4B):c.100T>C (p.Ser34Pro)

Gene: SCN4B (sodium voltage-gated channel beta subunit 4; minus strand). Cytogenetic location: 11q23.3.
Variant type: single nucleotide variant.
Coding change: c.100T>C on transcript NM_174934.4 (MANE Select); coding-DNA position 100, T replaced by C.
Protein change: p.Ser34Pro; replaces serine 34 with proline.
Molecular consequence: missense variant. On other transcripts: 5 prime UTR variant (1), non-coding transcript variant (1), intron variant (1).
Genome position (GRCh38, 1-based): chr11:118,145,191, A>G on the plus strand (T>C on the coding strand, the complement: SCN4B is on the minus strand). VCF-style: chr11-118145191-A-G. GRCh37 (hg19) VCF-style: chr11-118015906-A-G.
Other names: c.-231T>C (NM_001142349.2); c.62-3855T>C (NM_001142348.2); short protein forms S34P.
Identifiers: ClinVar variation 943405 (VCV000943405.9), dbSNP rs1948155711, ClinGen allele CA382778927.

ClinVar aggregate classification (germline): Uncertain significance (1 of 4 stars; one submission).

Conditions:
Long QT syndrome 10 (LQT10). Identifiers: Orphanet 101016, Orphanet 768, MedGen C2678484, MONDO:0012737, OMIM 611819.

Submission:

Labcorp Genetics (formerly Invitae), Labcorp
Classification: Uncertain significance for Long QT syndrome 10. Last evaluated: 2022-07-12. Review status: criteria provided, single submitter. Criteria: Invitae Variant Classification Sherloc (09022015). Collection method: clinical testing. Allele origin: germline.
Comment: This sequence change replaces serine, which is neutral and polar, with proline, which is neutral and non-polar, at codon 34 of the SCN4B protein (p.Ser34Pro). This variant is not present in population databases (gnomAD no frequency). This variant has not been reported in the literature in individuals affected with SCN4B-related conditions. ClinVar contains an entry for this variant (Variation ID: 943405). Algorithms developed to predict the effect of missense changes on protein structure and function are either unavailable or do not agree on the potential impact of this missense change (SIFT: "Deleterious"; PolyPhen-2: "Probably Damaging"; Align-GVGD: "Class C0"). In summary, the available evidence is currently insufficient to determine the role of this variant in disease. Therefore, it has been classified as a Variant of Uncertain Significance.